The following is an entry in ClinVar:

NM_002474.3(MYH11):c.4459_4464del (p.Ser1487_Leu1488del)

Genes: MYH11 (myosin heavy chain 11; minus strand), NDE1 (nudE neurodevelopment protein 1; plus strand). Cytogenetic location: 16p13.11.
Variant type: Deletion.
Coding change: c.4459_4464del on transcript NM_002474.3 (MANE Select); coding-DNA positions 4459 to 4464, 6 bases deleted (TCCCTG; older notation c.4459_4464delTCCCTG).
Protein change: p.Ser1487_Leu1488del.
Molecular consequence: inframe deletion. On other transcripts: intron variant (2).
Genome position (GRCh38, 1-based): chr16:15,721,536-15,721,541, CAGGGA deleted on the plus strand (TCCCTG on the coding strand, the reverse complement: MYH11 is on the minus strand); deleting any 6 consecutive bases within chr16:15,721,536-15,721,546 gives the same sequence; the c. name uses the placement nearest the transcript's 3' end. VCF-style (leftmost placement, unchanged base first): chr16-15721535-CCAGGGA-C. GRCh37 (hg19) VCF-style: chr16-15815392-CCAGGGA-C.
Other names: c.948-2650_948-2645del (NM_001143979.2, NM_017668.3); c.4480_4485del, p.Ser1494_Leu1495del (NM_001040113.2, NM_001040114.2); c.4459_4464del, p.Ser1487_Leu1488del (NM_022844.3).
Identifiers: ClinVar variation 450851 (VCV000450851.9), dbSNP rs1555552158, ClinGen allele CA658658393.

ClinVar aggregate classification (germline): Uncertain significance. Review status: criteria provided, multiple submitters, no conflicts (2 of 4 stars). 2 submissions from 2 submitters: Uncertain significance (2). Last evaluated 2025-02-19.

Conditions:
Aortic aneurysm, familial thoracic 4 (AAT4). Also called: AORTIC ANEURYSM/AORTIC DISSECTION AND PATENT DUCTUS ARTERIOSUS. Identifiers: MedGen C1851504, MONDO:0007568, OMIM 132900.

Submissions (2):

Labcorp Genetics (formerly Invitae), Labcorp
Classification: Uncertain significance for Aortic aneurysm, familial thoracic 4. Last evaluated: 2025-02-19. Review status: criteria provided, single submitter. Criteria: Invitae Variant Classification Sherloc (09022015). Collection method: clinical testing. Allele origin: germline.
Comment: This variant, c.4480_4485del, results in the deletion of 2 amino acid(s) of the MYH11 protein (p.Ser1494_Leu1495del), but otherwise preserves the integrity of the reading frame. This variant is not present in population databases (gnomAD no frequency). This variant has been observed in individual(s) with thoracic aortic aneurysm and dissection (internal data). ClinVar contains an entry for this variant (Variation ID: 450851). Experimental studies and prediction algorithms are not available or were not evaluated, and the functional significance of this variant is currently unknown. In summary, the available evidence is currently insufficient to determine the role of this variant in disease. Therefore, it has been classified as a Variant of Uncertain Significance.

GeneDx
Classification: Uncertain significance. Last evaluated: 2018-02-07. Review status: criteria provided, single submitter. Criteria: GeneDx Variant Classification (06012015). Collection method: clinical testing. Allele origin: germline. Affected: yes.
Comment: The c.4459_4464delTCCCTG variant of uncertain significance in the MYH11 gene has not been published as pathogenic or been reported as benign to our knowledge. This variant was not observed in large population cohorts (Lek et al., 2016; 1000 Genomes Consortium et al., 2015; Exome Variant Server). The c.4459_4464delTCCCTG variant is predicted to result in an in-frame deletion of two amino acid residues, Serine and Leucine, at positions 1487_1488 in the MYH11 gene, denoted p.Ser1487_Leu1488del. In silico analysis is inconsistent in its predictions as to whether or not this variant is damaging to the protein structure/function. Thus, in the absence of functional mRNA studies, the physiological consequence of this variant cannot be precisely determined. Therefore, based on the currently available information, it is unclear whether this variant is pathogenic or rare benign.